The following is an entry in ClinVar:

NM_001110556.2(FLNA):c.2233G>T (p.Ala745Ser)

Gene: FLNA (filamin A; minus strand). Cytogenetic location: Xq28.
Variant type: single nucleotide variant.
Coding change: c.2233G>T on transcript NM_001110556.2 (MANE Select); coding-DNA position 2233, G replaced by T.
Protein change: p.Ala745Ser; replaces alanine 745 with serine.
Molecular consequence: missense variant.
Genome position (GRCh38, 1-based): chrX:154,364,069, C>A on the plus strand (G>T on the coding strand, the complement: FLNA is on the minus strand). VCF-style: chrX-154364069-C-A. GRCh37 (hg19) VCF-style: chrX-153592437-C-A.
Other names: c.2233G>T, p.Ala745Ser (NM_001456.4); short protein forms A745S.
Identifiers: ClinVar variation 662040 (VCV000662040.10), dbSNP rs1336740117, ClinGen allele CA415237736.

ClinVar aggregate classification (germline): Uncertain significance (1 of 4 stars; one submission).

Conditions:
Frontometaphyseal dysplasia (FMD1). Identifiers: Orphanet 1826, MedGen C0265293, MONDO:0015942.
Oto-palato-digital syndrome, type II (OPD2). Also called: FACIOPALATOOSSEOUS SYNDROME; Otopalatodigital Syndrome, Type II; Otopalatodigital Syndrome Type 2 (FLNA-OPD2); OPD II SYNDROME. Identifiers: Orphanet 669, Orphanet 90652, MedGen C1844696, MONDO:0010571, OMIM 304120.
Heterotopia, periventricular, X-linked dominant (PVNH1). Also called: PERIVENTRICULAR NODULAR HETEROTOPIA 4; HETEROTOPIA, PERIVENTRICULAR, 1; PERIVENTRICULAR NODULAR HETEROTOPIA 1; X-linked periventricular heterotopia. Identifiers: Orphanet 2149, Orphanet 82004, MedGen C1848213, MONDO:0010233, OMIM 300049.
Melnick-Needles syndrome (MNS). Also called: Melnick-Needles Syndrome (FLNA-MNS); MELNICK-NEEDLES OSTEODYSPLASTY; OSTEODYSPLASTY OF MELNICK AND NEEDLES. Identifiers: Orphanet 2484, MedGen C0025237, MONDO:0010650, OMIM 309350.

Submission:

Labcorp Genetics (formerly Invitae), Labcorp
Classification: Uncertain significance for Oto-palato-digital syndrome, type II; Heterotopia, periventricular, X-linked dominant; Frontometaphyseal dysplasia; Melnick-Needles syndrome. Last evaluated: 2018-07-09. Review status: criteria provided, single submitter. Criteria: Invitae Variant Classification Sherloc (09022015). Collection method: clinical testing. Allele origin: germline.
Comment: In summary, the available evidence is currently insufficient to determine the role of this variant in disease. Therefore, it has been classified as a Variant of Uncertain Significance. Algorithms developed to predict the effect of missense changes on protein structure and function are either unavailable or do not agree on the potential impact of this missense change (SIFT: "Deleterious"; PolyPhen-2: "Benign"; Align-GVGD: "Class C65"). This variant has not been reported in the literature in individuals with FLNA-related disease. This variant is not present in population databases (ExAC no frequency). This sequence change replaces alanine with serine at codon 745 of the FLNA protein (p.Ala745Ser). The alanine residue is highly conserved and there is a moderate physicochemical difference between alanine and serine.